The following is an entry in ClinVar:

ClinVar aggregate classification (germline): Uncertain significance. Review status: criteria provided, multiple submitters, no conflicts (2 of 4 stars). 2 submissions from 2 submitters: Uncertain significance (2). Last evaluated 2023-01-07.

Conditions:
Inborn genetic diseases. Identifiers: MedGen C0950123, MeSH D030342.

Allele frequency attached by ClinVar (database versions not stated): gnomAD exomes below 0.00001.
gnomAD v4.1: 1 of 1,613,910 alleles (0.000062%); highest among the groups gnomAD compares: Non-Finnish European, 0.000085%; no homozygotes.

Submissions (2):

Ambry Genetics
Classification: Uncertain significance for Inborn genetic diseases. Last evaluated: 2023-01-07. Review status: criteria provided, single submitter. Criteria: Ambry Variant Classification Scheme 2023. Collection method: clinical testing. Allele origin: germline.
Comment: The p.M535V variant (also known as c.1603A>G), located in coding exon 7 of the ATR gene, results from an A to G substitution at nucleotide position 1603. The methionine at codon 535 is replaced by valine, an amino acid with highly similar properties. This amino acid position is conserved. In addition, this alteration is predicted to be tolerated by in silico analysis. Since supporting evidence is limited at this time, the clinical significance of this alteration remains unclear.

Labcorp Genetics (formerly Invitae), Labcorp
Classification: Uncertain significance. Last evaluated: 2020-06-15. Review status: criteria provided, single submitter. Criteria: Invitae Variant Classification Sherloc (09022015). Collection method: clinical testing. Allele origin: germline.
Comment: This sequence change replaces methionine with valine at codon 535 of the ATR protein (p.Met535Val). The methionine residue is weakly conserved and there is a small physicochemical difference between methionine and valine. This variant is not present in population databases (ExAC no frequency). This variant has not been reported in the literature in individuals with ATR-related conditions. Algorithms developed to predict the effect of missense changes on protein structure and function (SIFT, PolyPhen-2, Align-GVGD) all suggest that this variant is likely to be tolerated, but these predictions have not been confirmed by published functional studies and their clinical significance is uncertain. In summary, the available evidence is currently insufficient to determine the role of this variant in disease. Therefore, it has been classified as a Variant of Uncertain Significance.

NM_001184.4(ATR):c.1603A>G (p.Met535Val)

Gene: ATR (ATR checkpoint kinase; minus strand). Cytogenetic location: 3q23.
Variant type: single nucleotide variant.
Coding change: c.1603A>G on transcript NM_001184.4 (MANE Select); coding-DNA position 1603, A replaced by G.
Protein change: p.Met535Val; replaces methionine 535 with valine.
Molecular consequence: missense variant.
Genome position (GRCh38, 1-based): chr3:142,559,380, T>C on the plus strand (A>G on the coding strand, the complement: ATR is on the minus strand). VCF-style: chr3-142559380-T-C. GRCh37 (hg19) VCF-style: chr3-142278222-T-C.
Other names: c.1411A>G, p.Met471Val (NM_001354579.2); c.1603A>G (NM_001184.3); short protein forms M471V, M535V.
Identifiers: ClinVar variation 1046962 (VCV001046962.10), dbSNP rs2034797864, ClinGen allele CA354822343.
Genomic context (GRCh38, chr3:142,559,380, plus strand): 5'-GAACAGATTCTAACAAACTTCTACAGCTCTTAAGCACTTTTGTGTAAAAATCCAATGACA[T>C]CCAAGTTATCACTACAGAAGGTTTCTTCTTGGATTTATGTTGACAGTCCTTGAAAGTACG-3'
Protein context (NP_001175.2, residues 525-545): KKKPSVVITW[Met535Val]SLDFYTKVLK